The following is an entry in ClinVar:

ClinVar aggregate classification (germline): Uncertain significance. Review status: criteria provided, multiple submitters, no conflicts (2 of 4 stars). 2 submissions from 2 submitters: Uncertain significance (2). Last evaluated 2021-12-17.

Conditions:
Hereditary cancer-predisposing syndrome. Also called: Neoplastic Syndromes, Hereditary; Hereditary Cancer Syndrome; Hereditary neoplastic syndrome; Tumor predisposition. Identifiers: Orphanet 140162, MedGen C0027672, MeSH D009386, MONDO:0015356.
Hereditary breast ovarian cancer syndrome. Also called: Hereditary breast and ovarian cancer syndrome; Hereditary breast and/or ovarian cancer syndrome; BRCA1- and BRCA2-Associated Hereditary Breast and Ovarian Cancer; Hereditary breast and ovarian cancer syndrome (HBOC); Hereditary breast and ovarian cancer; Breast and ovarian cancer. Identifiers: Orphanet 145, MedGen C0677776, MeSH D061325, MONDO:0003582. Disease mechanism: loss of function.

Submissions (2):

Labcorp Genetics (formerly Invitae), Labcorp
Classification: Uncertain significance for Hereditary breast ovarian cancer syndrome. Last evaluated: 2021-12-17. Review status: criteria provided, single submitter. Criteria: Invitae Variant Classification Sherloc (09022015). Collection method: clinical testing. Allele origin: germline.
Comment: This variant, c.5155_5157del, results in the deletion of 1 amino acid(s) of the BRCA2 protein (p.Asn1719del), but otherwise preserves the integrity of the reading frame. In summary, the available evidence is currently insufficient to determine the role of this variant in disease. Therefore, it has been classified as a Variant of Uncertain Significance. Experimental studies and prediction algorithms are not available or were not evaluated, and the functional significance of this variant is currently unknown. This variant has not been reported in the literature in individuals affected with BRCA2-related conditions. This variant is not present in population databases (gnomAD no frequency).

Color Diagnostics, LLC DBA Color Health
Classification: Uncertain significance for Hereditary cancer-predisposing syndrome. Last evaluated: 2021-11-16. Review status: criteria provided, single submitter. Criteria: ACMG Guidelines, 2015. Collection method: clinical testing. Allele origin: germline.
Comment: This variant deletes 3 basepairs in exon 11 in the BRCA2 gene, resulting in the in-frame deletion of one amino acid, Asparagine 1719. To our knowledge, functional studies have not been reported for this variant nor has this variant been reported in individuals affected with hereditary cancer in the literature. This variant has not been identified in the general population by the Genome Aggregation Database (gnomAD). The available evidence is insufficient to determine the role of this variant in disease conclusively. Therefore, this variant is classified as a Variant of Uncertain Significance.

NM_000059.4(BRCA2):c.5152AAT[1] (p.Asn1719del)

Gene: BRCA2 (BRCA2 DNA repair associated; plus strand). Cytogenetic location: 13q13.1.
Variant type: Microsatellite.
Coding change: c.5152AAT[1] on transcript NM_000059.4 (MANE Select); one copy of the 3-base unit AAT starting at c.5152; the reference has two copies in a row; one copy, 3 bases deleted; also written c.5155_5157del.
Protein change: p.Asn1719del; deletes asparagine 1719.
Molecular consequence: inframe deletion. On other transcripts: inframe indel (2).
Genome position (GRCh38, 1-based): chr13:32,339,510-32,339,512, AAT deleted; deleting any 3 consecutive bases within chr13:32,339,507-32,339,512 gives the same sequence; the position shown is the placement nearest the transcript's 3' end. VCF-style (leftmost placement, unchanged base first): chr13-32339506-AAAT-A. GRCh37 (hg19) VCF-style: chr13-32913643-AAAT-A.
Other names: c.5155_5157del (NM_000059.4); c.5152_5154AAT[1], p.Asn1719del (NM_001406719.1, NM_001406720.1); short protein forms N1719del.
Identifiers: ClinVar variation 2045286 (VCV002045286.6), dbSNP rs2548530121, ClinGen allele CA2580614659.